The following is an entry in ClinVar:

ClinVar aggregate classification (germline): Uncertain significance. Review status: criteria provided, multiple submitters, no conflicts (2 of 4 stars). 2 submissions from 2 submitters: Uncertain significance (2). Last evaluated 2023-02-26.

Conditions:
Primary ciliary dyskinesia 6. Also called: Primary Ciliary Dyskinesia 6: TXNDC3-Related Primary Ciliary Dyskinesia. Identifiers: Orphanet 244, MedGen C1970506, MONDO:0012571, OMIM 610852.
Primary ciliary dyskinesia. Also called: Ciliary dyskinesia. Identifiers: Orphanet 244, MedGen C0008780, MONDO:0016575, HP:0012265.

Allele frequency attached by ClinVar (database versions not stated): gnomAD exomes below 0.00001; ExAC 0.00001; TOPMed 0.00001; gnomAD 0.00002.
gnomAD v4.1: 4 of 1,613,746 alleles (0.00025%); highest among the groups gnomAD compares: Non-Finnish European, 0.00034%; no homozygotes.

Submissions (2):

Ambry Genetics
Classification: Uncertain significance for Primary ciliary dyskinesia. Last evaluated: 2023-02-26. Review status: criteria provided, single submitter. Criteria: Ambry Variant Classification Scheme 2023. Collection method: clinical testing. Allele origin: germline.
Comment: The p.F556I variant (also known as c.1666T>A), located in coding exon 15 of the NME8 gene, results from a T to A substitution at nucleotide position 1666. The phenylalanine at codon 556 is replaced by isoleucine, an amino acid with highly similar properties. This amino acid position is conserved. In addition, the in silico prediction for this alteration is inconclusive. Since supporting evidence is limited at this time, the clinical significance of this alteration remains unclear.

Labcorp Genetics (formerly Invitae), Labcorp
Classification: Uncertain significance for Primary ciliary dyskinesia 6. Last evaluated: 2022-08-31. Review status: criteria provided, single submitter. Criteria: Invitae Variant Classification Sherloc (09022015). Collection method: clinical testing. Allele origin: germline.
Comment: ClinVar contains an entry for this variant (Variation ID: 536828). This variant has not been reported in the literature in individuals affected with NME8-related conditions. This variant is present in population databases (rs757432890, gnomAD 0.007%). This sequence change replaces phenylalanine, which is neutral and non-polar, with isoleucine, which is neutral and non-polar, at codon 556 of the NME8 protein (p.Phe556Ile). Algorithms developed to predict the effect of missense changes on protein structure and function are either unavailable or do not agree on the potential impact of this missense change (SIFT: "Deleterious"; PolyPhen-2: "Probably Damaging"; Align-GVGD: "Class C0"). In summary, the available evidence is currently insufficient to determine the role of this variant in disease. Therefore, it has been classified as a Variant of Uncertain Significance.

NM_016616.5(NME8):c.1666T>A (p.Phe556Ile)

Gene: NME8 (NME/NM23 family member 8; plus strand). Cytogenetic location: 7p14.1.
Variant type: single nucleotide variant.
Coding change: c.1666T>A on transcript NM_016616.5 (MANE Select); coding-DNA position 1666, T replaced by A.
Protein change: p.Phe556Ile; replaces phenylalanine 556 with isoleucine.
Molecular consequence: missense variant.
Genome position (GRCh38, 1-based): chr7:37,896,991, T>A. VCF-style: chr7-37896991-T-A. GRCh37 (hg19) VCF-style: chr7-37936593-T-A.
Other names: short protein forms F556I.
Identifiers: ClinVar variation 536828 (VCV000536828.10), dbSNP rs757432890, ClinGen allele CA4222593.
Genomic context (GRCh38, chr7:37,896,991, plus strand): 5'-ATGGGCCCAACAGACCCAGAAGAAGCAAAATTACTTTCCCCTGACTCCATCCGAGCCCAG[T>A]TTGGAATAAGTAAATTGAAAAACATTGTCCATGGAGCATCTAACGCCTATGAAGCAAAAG-3'
Protein context (NP_057700.3, residues 546-566): LLSPDSIRAQ[Phe556Ile]GISKLKNIVH